The following is an entry in ClinVar:

ClinVar aggregate classification (germline): Uncertain significance (1 of 4 stars; one submission).

Conditions:
Familial cancer of breast. Also called: Hereditary breast cancer; hereditary breast carcinoma; BREAST CANCER, FAMILIAL. Identifiers: Orphanet 227535, MedGen C0346153, MONDO:0016419, OMIM 114480. Disease mechanism: loss of function.

Submission:

Labcorp Genetics (formerly Invitae), Labcorp
Classification: Uncertain significance for Familial cancer of breast. Last evaluated: 2018-11-05. Review status: criteria provided, single submitter. Criteria: Invitae Variant Classification Sherloc (09022015). Collection method: clinical testing. Allele origin: germline.
Comment: In summary, the available evidence is currently insufficient to determine the role of this variant in disease. Therefore, it has been classified as a Variant of Uncertain Significance. Algorithms developed to predict the effect of missense changes on protein structure and function are either unavailable or do not agree on the potential impact of this missense change (SIFT: "Tolerated"; PolyPhen-2: "Possibly Damaging"; Align-GVGD: "Class C0"). This variant has not been reported in the literature in individuals with PALB2-related disease. This variant is not present in population databases (ExAC no frequency). This sequence change replaces leucine with phenylalanine at codon 202 of the PALB2 protein (p.Leu202Phe). The leucine residue is moderately conserved and there is a small physicochemical difference between leucine and phenylalanine.

NM_024675.4(PALB2):c.604C>T (p.Leu202Phe)

Gene: PALB2 (partner and localizer of BRCA2; minus strand). Cytogenetic location: 16p12.2.
Variant type: single nucleotide variant.
Coding change: c.604C>T on transcript NM_024675.4 (MANE Select); coding-DNA position 604, C replaced by T.
Protein change: p.Leu202Phe; replaces leucine 202 with phenylalanine.
Molecular consequence: missense variant.
Genome position (GRCh38, 1-based): chr16:23,635,942, G>A on the plus strand (C>T on the coding strand, the complement: PALB2 is on the minus strand). VCF-style: chr16-23635942-G-A. GRCh37 (hg19) VCF-style: chr16-23647263-G-A.
Other names: short protein forms L202F.
Identifiers: ClinVar variation 660614 (VCV000660614.9), dbSNP rs1597098794, ClinGen allele CA395136671.
Genomic context (GRCh38, chr16:23,635,942, plus strand): 5'-ATACACTGTCTTCATTAATTTCTGTAACTGGTTCTGGAGAATCTGGAAGTTCAGATTTAA[G>A]ACTTAAAAGGTGAGTTCTTATTTCAGTTACTGGTGATCTAGCAGGATTTTTGCTACTGAT-3'
Protein context (NP_078951.2, residues 192-212): VTEIRTHLLS[Leu202Phe]KSELPDSPEP